The following is an entry in ClinVar:

ClinVar aggregate classification (germline): Uncertain significance. Review status: criteria provided, multiple submitters, no conflicts (2 of 4 stars). 2 submissions from 2 submitters: Uncertain significance (2). Last evaluated 2025-04-10.

Conditions:
Hereditary cancer-predisposing syndrome. Also called: Neoplastic Syndromes, Hereditary; Hereditary Cancer Syndrome; Tumor predisposition; Hereditary neoplastic syndrome. Identifiers: Orphanet 140162, MedGen C0027672, MeSH D009386, MONDO:0015356.

Submissions (2):

Women's Health and Genetics/Laboratory Corporation of America, LabCorp
Classification: Uncertain significance. Last evaluated: 2025-04-10. Review status: criteria provided, single submitter. Criteria: LabCorp Variant Classification Summary - May 2015. Collection method: clinical testing. Allele origin: germline.

Ambry Genetics
Classification: Uncertain significance for Hereditary cancer-predisposing syndrome. Last evaluated: 2016-03-08. Review status: criteria provided, single submitter. Criteria: Ambry Variant Classification Scheme 2023. Collection method: clinical testing. Allele origin: germline.
Comment: The p.I1960M variant (also known as c.5880C>G), located in coding exon 38 of the ATM gene, results from a C to G substitution at nucleotide position 5880. The isoleucine at codon 1960 is replaced by methionine, an amino acid with highly similar properties. This variant was not reported in population based cohorts in the following databases: Database of Single Nucleotide Polymorphisms (dbSNP), NHLBI Exome Sequencing Project (ESP), and 1000 Genomes Project. In the ESP, this variant was not observed in 6498 samples (12996 alleles) with coverage at this position. To date, this alteration has been detected with an allele frequency of approximately 0.001% (greater than 125000 alleles tested) in our clinical cohort. This amino acid position is highly conserved in available vertebrate species. In addition, the in silico prediction for this alteration is inconclusive. Since supporting evidence is limited at this time, the clinical significance of this alteration remains unclear.

NM_000051.4(ATM):c.5880C>G (p.Ile1960Met)

Genes: ATM (ATM serine/threonine kinase; plus strand), C11orf65 (chromosome 11 open reading frame 65; minus strand). Cytogenetic location: 11q22.3.
Variant type: single nucleotide variant.
Coding change: c.5880C>G on transcript NM_000051.4 (MANE Select); coding-DNA position 5880, C replaced by G.
Protein change: p.Ile1960Met; replaces isoleucine 1960 with methionine.
Molecular consequence: missense variant. On other transcripts: intron variant (2).
Genome position (GRCh38, 1-based): chr11:108,310,277, C>G. VCF-style: chr11-108310277-C-G. GRCh37 (hg19) VCF-style: chr11-108181004-C-G.
Other names: c.5880C>G, p.Ile1960Met (NM_001351834.2); c.641-1206G>C (NM_001330368.2); c.*39-1206G>C (NM_001351110.2); short protein forms I1960M.
Identifiers: ClinVar variation 482575 (VCV000482575.9), dbSNP rs1555110464, ClinGen allele CA382548523.
Genomic context (GRCh38, chr11:108,310,277, plus strand): 5'-AGTTGCCAAGGTAGCTCAGTCTTGTGCTGCTCACTTTACAGCTTTACTCTATGCAGAAAT[C>G]TATGCAGATAAGAAAAGTATGGATGATCAAGAGAAAAGGTAATGGAATTTAGAATTTTTG-3'
Protein context (NP_000042.3, residues 1950-1970): AHFTALLYAE[Ile1960Met]YADKKSMDDQ